The following is an entry in ClinVar:

NM_004260.4(RECQL4):c.2851G>A (p.Gly951Arg)

Gene: RECQL4 (RecQ like helicase 4; minus strand). Cytogenetic location: 8q24.3.
Variant type: single nucleotide variant.
Coding change: c.2851G>A on transcript NM_004260.4 (MANE Select); coding-DNA position 2851, G replaced by A.
Protein change: p.Gly951Arg; replaces glycine 951 with arginine.
Molecular consequence: missense variant.
Genome position (GRCh38, 1-based): chr8:144,512,676, C>T on the plus strand (G>A on the coding strand, the complement: RECQL4 is on the minus strand). VCF-style: chr8-144512676-C-T. GRCh37 (hg19) VCF-style: chr8-145738059-C-T.
Other names: c.2557G>A, p.Gly853Arg (NM_001413017.1); c.2653G>A, p.Gly885Arg (NM_001413018.1); c.2926G>A, p.Gly976Arg (NM_001413019.1); c.2755G>A, p.Gly919Arg (NM_001413020.1); c.1780G>A, p.Gly594Arg (NM_001413021.1, NM_001413022.1, NM_001413024.1 and 4 more transcripts); c.1855G>A, p.Gly619Arg (NM_001413023.1); c.2722G>A, p.Gly908Arg (NM_001413025.1); c.1714G>A, p.Gly572Arg (NM_001413027.1, NM_001413030.1, NM_001413032.1); and 9 more; short protein forms G584R, G834R, G550R, G594R, G619R, G908R, G919R, G951R.
Identifiers: ClinVar variation 2040656 (VCV002040656.4), dbSNP rs545478910, ClinGen allele CA4948052.
Genomic context (GRCh38, chr8:144,512,676, plus strand): 5'-TCTCCAACTGGGCAGGGCGTGCTTACCTGTGGGCCAGGGCCTGGAGCTGGGCAGGGCCCC[C>T]AGGGCAGTTCAGACGGCAATGGGTATAGGTGGTCGCCAGCAGCTCCAGCCAGTGGTGTGG-3'
Protein context (NP_004251.4, residues 941-961): TYTHCRLNCP[Gly951Arg]GPAQLQALAH

ClinVar aggregate classification (germline): Uncertain significance (1 of 4 stars; one submission).

Conditions:
Baller-Gerold syndrome (BGS). Also called: CRANIOSYNOSTOSIS WITH RADIAL DEFECTS. Identifiers: Orphanet 1225, MedGen C0265308, MONDO:0009039, OMIM 218600.

Allele frequency attached by ClinVar (database versions not stated): TOPMed below 0.00001; ExAC 0.00001; gnomAD 0.00002; 1000 Genomes Project 0.00020; 1000 Genomes Project 30x 0.00031.
gnomAD v4.1: 4 of 1,612,578 alleles (0.00025%); highest among the groups gnomAD compares: African/African-American, 0.004%; no homozygotes.

Submission:

Labcorp Genetics (formerly Invitae), Labcorp
Classification: Uncertain significance for Baller-Gerold syndrome. Last evaluated: 2023-02-24. Review status: criteria provided, single submitter. Criteria: Invitae Variant Classification Sherloc (09022015). Collection method: clinical testing. Allele origin: germline.
Comment: ClinVar contains an entry for this variant (Variation ID: 2040656). This variant has not been reported in the literature in individuals affected with RECQL4-related conditions. This variant is present in population databases (rs545478910, gnomAD 0.008%). This sequence change replaces glycine, which is neutral and non-polar, with arginine, which is basic and polar, at codon 951 of the RECQL4 protein (p.Gly951Arg). Advanced modeling of protein sequence and biophysical properties (such as structural, functional, and spatial information, amino acid conservation, physicochemical variation, residue mobility, and thermodynamic stability) performed at Invitae indicates that this missense variant is not expected to disrupt RECQL4 protein function. In summary, the available evidence is currently insufficient to determine the role of this variant in disease. Therefore, it has been classified as a Variant of Uncertain Significance.